The following is an entry in ClinVar:

ClinVar aggregate classification (germline): Uncertain significance (1 of 4 stars; one submission).

Conditions:
Primary dilated cardiomyopathy (DCM). Also called: Dilated Cardiomyopathy. Identifiers: Orphanet 217604, MedGen C0007193, MeSH D002311, MONDO:0005021, HP:0001644. Inheritance: Various modes of inheritance.
Hypertrophic cardiomyopathy. Also called: HYPERTROPHIC MYOCARDIOPATHY. Identifiers: Orphanet 217569, MedGen C0007194, MeSH D002312, MONDO:0005045, HP:0001639.

Allele frequency attached by ClinVar (database versions not stated): gnomAD 0.00001; gnomAD exomes 0.00002.
gnomAD v4.1: 30 of 1,608,848 alleles (0.0019%); highest among the groups gnomAD compares: Non-Finnish European, 0.0025%; no homozygotes.

Submission:

Labcorp Genetics (formerly Invitae), Labcorp
Classification: Uncertain significance for Hypertrophic cardiomyopathy; Primary dilated cardiomyopathy. Last evaluated: 2021-01-12. Review status: criteria provided, single submitter. Criteria: Invitae Variant Classification Sherloc (09022015). Collection method: clinical testing. Allele origin: germline.
Comment: This sequence change replaces proline with alanine at codon 90 of the PDLIM3 protein (p.Pro90Ala). The proline residue is highly conserved and there is a small physicochemical difference between proline and alanine. This variant is not present in population databases (ExAC no frequency). This variant has not been reported in the literature in individuals with PDLIM3-related conditions. Algorithms developed to predict the effect of missense changes on protein structure and function are either unavailable or do not agree on the potential impact of this missense change (SIFT: "Deleterious"; PolyPhen-2: "Probably Damaging"; Align-GVGD: "Class C0"). In summary, the available evidence is currently insufficient to determine the role of this variant in disease. Therefore, it has been classified as a Variant of Uncertain Significance.

NM_014476.6(PDLIM3):c.268C>G (p.Pro90Ala)

Gene: PDLIM3 (PDZ and LIM domain 3; minus strand). Cytogenetic location: 4q35.1.
Variant type: single nucleotide variant.
Coding change: c.268C>G on transcript NM_014476.6 (MANE Select); coding-DNA position 268, C replaced by G.
Protein change: p.Pro90Ala; replaces proline 90 with alanine.
Molecular consequence: missense variant. On other transcripts: non-coding transcript variant (1), intron variant (1).
Genome position (GRCh38, 1-based): chr4:185,523,424, G>C on the plus strand (C>G on the coding strand, the complement: PDLIM3 is on the minus strand). VCF-style: chr4-185523424-G-C. GRCh37 (hg19) VCF-style: chr4-186444578-G-C.
Other names: c.268C>G, p.Pro90Ala (NM_001114107.5, NM_001257962.2); c.94-9087C>G (NM_001257963.2); short protein forms P90A.
Identifiers: ClinVar variation 1378045 (VCV001378045.8), dbSNP rs1355493976, ClinGen allele CA358927501.